The following is an entry in ClinVar:

NM_004380.3(CREBBP):c.5949A>G (p.Pro1983=)

Gene: CREBBP (CREB binding lysine acetyltransferase; minus strand). Cytogenetic location: 16p13.3.
Variant type: single nucleotide variant.
Coding change: c.5949A>G on transcript NM_004380.3 (MANE Select); coding-DNA position 5949, A replaced by G.
Protein change: p.Pro1983=; no amino-acid change (proline 1983 retained).
Molecular consequence: synonymous variant.
Genome position (GRCh38, 1-based): chr16:3,729,098, T>C on the plus strand (A>G on the coding strand, the complement: CREBBP is on the minus strand). VCF-style: chr16-3729098-T-C. GRCh37 (hg19) VCF-style: chr16-3779099-T-C.
Other names: c.5835A>G, p.Pro1945= (NM_001079846.1); c.5949A>G (NM_004380.2).
Identifiers: ClinVar variation 2058413 (VCV002058413.6), dbSNP rs372969249, ClinGen allele CA7869216.
Genomic context (GRCh38, chr16:3,729,098, plus strand): 5'-GGGCACATTCAGGCTCACGGGGGCCATCTGGCTCCCCGGGGTCCCCATGCCCGTGCGTCC[T>C]GGGGGCATGCTGTTGTTGATGTTCACCCGGTACAGGTGCTGCTGCTGCTGGGCCTCACGC-3'
Protein context (NP_004371.2, residues 1973-1993): YRVNINNSMP[Pro1983=]GRTGMGTPGS

ClinVar aggregate classification (germline): Benign. Review status: criteria provided, single submitter (1 of 4 stars). 2 submissions from 2 submitters: Benign (1). 1 of the submissions does not count toward it. Last evaluated 2025-10-23.

Conditions:
CREBBP-related disorder. Also called: CREBBP-related condition; CREBBP-related disorders.
Rubinstein-Taybi syndrome (RSTS). Identifiers: Orphanet 783, MedGen C0035934, MONDO:0019188.

Allele frequency attached by ClinVar (database versions not stated): gnomAD 0.00003; TOPMed 0.00005; ExAC 0.00012; ESP Exome Variant Server 0.00015.
gnomAD v4.1: 58 of 1,580,590 alleles (0.0037%); highest among the groups gnomAD compares: South Asian, 0.0091%; no homozygotes.

Submissions (2):

Labcorp Genetics (formerly Invitae), Labcorp
Classification: Benign for Rubinstein-Taybi syndrome. Last evaluated: 2025-10-23. Review status: criteria provided, single submitter. Criteria: Invitae Variant Classification Sherloc (09022015). Collection method: clinical testing. Allele origin: germline.

PreventionGenetics, part of Exact Sciences
Classification: Likely benign for CREBBP-related condition. Last evaluated: 2021-10-29. Review status: no assertion criteria provided. Collection method: clinical testing. Allele origin: germline. Not counted in ClinVar's aggregate classification.
Comment: This variant is classified as likely benign based on ACMG/AMP sequence variant interpretation guidelines (Richards et al. 2015 PMID: 25741868, with internal and published modifications).